The following is an entry in ClinVar:

NM_153460.4(IL17RC):c.976G>A (p.Ala326Thr)

Gene: IL17RC (interleukin 17 receptor C; plus strand). Cytogenetic location: 3p25.3.
Variant type: single nucleotide variant.
Coding change: c.976G>A on transcript NM_153460.4 (MANE Select); coding-DNA position 976, G replaced by A.
Protein change: p.Ala326Thr; replaces alanine 326 with threonine.
Molecular consequence: missense variant. On other transcripts: non-coding transcript variant (1).
Genome position (GRCh38, 1-based): chr3:9,928,403, G>A. VCF-style: chr3-9928403-G-A. GRCh37 (hg19) VCF-style: chr3-9970087-G-A.
Other names: c.976G>A, p.Ala326Thr (NM_001203263.2, NM_001203264.2); c.931G>A, p.Ala311Thr (NM_001203265.2, NM_001367280.1, NM_001410711.1 and 1 more transcripts); c.937G>A, p.Ala313Thr (NM_001367278.1); c.856G>A, p.Ala286Thr (NM_001367279.1); c.1189G>A, p.Ala397Thr (NM_153461.4); short protein forms A311T, A326T, A397T, A286T, A313T.
Identifiers: ClinVar variation 3528608 (VCV003528608.3).

ClinVar aggregate classification (germline): Uncertain significance. Review status: criteria provided, multiple submitters, no conflicts (2 of 4 stars). 2 submissions from 2 submitters: Uncertain significance (2). Last evaluated 2024-12-22.

Conditions:
Candidiasis, familial, 9 (CANDF9). Identifiers: Orphanet 1334, MedGen C4225324, MONDO:0014642, OMIM 616445.

gnomAD v4.1: 6 of 1,605,106 alleles (0.00037%); highest among the groups gnomAD compares: Non-Finnish European, 0.00051%; no homozygotes.

Submissions (2):

Labcorp Genetics (formerly Invitae), Labcorp
Classification: Uncertain significance for Candidiasis, familial, 9. Last evaluated: 2024-12-22. Review status: criteria provided, single submitter. Criteria: Invitae Variant Classification Sherloc (09022015). Collection method: clinical testing. Allele origin: germline.
Comment: This sequence change replaces alanine, which is neutral and non-polar, with threonine, which is neutral and polar, at codon 397 of the IL17RC protein (p.Ala397Thr). This variant is present in population databases (no rsID available, gnomAD 0.002%). This variant has not been reported in the literature in individuals affected with IL17RC-related conditions. An algorithm developed to predict the effect of missense changes on protein structure and function (PolyPhen-2) suggests that this variant is likely to be tolerated. In summary, the available evidence is currently insufficient to determine the role of this variant in disease. Therefore, it has been classified as a Variant of Uncertain Significance.

Ambry Genetics
Classification: Uncertain significance. Last evaluated: 2024-11-10. Review status: criteria provided, single submitter. Criteria: Ambry Variant Classification Scheme 2023. Collection method: clinical testing. Allele origin: germline.